The following is an entry in ClinVar:

NM_018847.4(KLHL9):c.1702G>A (p.Asp568Asn)

Gene: KLHL9 (kelch like family member 9; minus strand). Cytogenetic location: 9p21.3.
Variant type: single nucleotide variant.
Coding change: c.1702G>A on transcript NM_018847.4 (MANE Select); coding-DNA position 1702, G replaced by A.
Protein change: p.Asp568Asn; replaces aspartic acid 568 with asparagine.
Molecular consequence: missense variant.
Genome position (GRCh38, 1-based): chr9:21,333,158, C>T on the plus strand (G>A on the coding strand, the complement: KLHL9 is on the minus strand). VCF-style: chr9-21333158-C-T. GRCh37 (hg19) VCF-style: chr9-21333157-C-T.
Other names: short protein forms D568N.
Identifiers: ClinVar variation 3013253 (VCV003013253.3), dbSNP rs765700546, ClinGen allele CA5010480.
Genomic context (GRCh38, chr9:21,333,158, plus strand): 5'-GAATGCCACCAAGTGACTCTGGAAGATCAAAAACTTTATGCCACTCATCTTTTTCTGGGT[C>T]ATATTTCTGGACAATTTCTACCATACAACGATTATTCCAAGAATATCCACCAACAACATA-3'
Protein context (NP_061335.1, residues 558-578): RCMVEIVQKY[Asp568Asn]PEKDEWHKVF

ClinVar aggregate classification (germline): Uncertain significance (1 of 4 stars; one submission).

Allele frequency attached by ClinVar (database versions not stated): TOPMed 0.00001; ExAC 0.00002; gnomAD 0.00002.
gnomAD v4.1: 17 of 1,613,964 alleles (0.0011%); highest among the groups gnomAD compares: South Asian, 0.018%; no homozygotes.

Submission:

Labcorp Genetics (formerly Invitae), Labcorp
Classification: Uncertain significance. Last evaluated: 2023-05-15. Review status: criteria provided, single submitter. Criteria: Invitae Variant Classification Sherloc (09022015). Collection method: clinical testing. Allele origin: germline.
Comment: This sequence change replaces aspartic acid, which is acidic and polar, with asparagine, which is neutral and polar, at codon 568 of the KLHL9 protein (p.Asp568Asn). This variant is present in population databases (rs765700546, gnomAD 0.02%). This variant has not been reported in the literature in individuals affected with KLHL9-related conditions. An algorithm developed to predict the effect of missense changes on protein structure and function (PolyPhen-2) suggests that this variant is likely to be disruptive. In summary, the available evidence is currently insufficient to determine the role of this variant in disease. Therefore, it has been classified as a Variant of Uncertain Significance.